The following is an entry in ClinVar:

ClinVar aggregate classification (germline): Benign (1 of 4 stars; one submission).

Allele frequency attached by ClinVar (database versions not stated): 1000 Genomes Project 0.00339; 1000 Genomes Project 30x 0.00359; ExAC 0.00773; gnomAD 0.00810; TOPMed 0.00869; ESP Exome Variant Server 0.00915; gnomAD exomes 0.01284.
gnomAD v4.1: 19,910 of 1,612,242 alleles (1.2%); highest among the groups gnomAD compares: Non-Finnish European, 1.5%; 145 homozygotes.

Submission:

CeGaT Center for Human Genetics Tuebingen
Classification: Benign. Last evaluated: 2024-04-01. Review status: criteria provided, single submitter. Criteria: CeGaT Center For Human Genetics Tuebingen Variant Classification Criteria Version 2. Collection method: clinical testing. Allele origin: germline. Affected: yes. Observed: 1 variant allele.
Comment: KIAA0930: BP4, BP7, BS1, BS2

NM_001009880.2(KIAA0930):c.198C>T (p.Ser66=)

Gene: KIAA0930 (KIAA0930; minus strand). Cytogenetic location: 22q13.31.
Variant type: single nucleotide variant.
Coding change: c.198C>T on transcript NM_001009880.2 (MANE Select); coding-DNA position 198, C replaced by T.
Protein change: p.Ser66=; no amino-acid change (serine 66 retained).
Molecular consequence: synonymous variant.
Genome position (GRCh38, 1-based): chr22:45,211,974, G>A on the plus strand (C>T on the coding strand, the complement: KIAA0930 is on the minus strand). VCF-style: chr22-45211974-G-A. GRCh37 (hg19) VCF-style: chr22-45607855-G-A.
Other names: c.213C>T, p.Ser71= (NM_015264.2).
Identifiers: ClinVar variation 3234137 (VCV003234137.20), dbSNP rs56194783, ClinGen allele CA10284103.
Genomic context (GRCh38, chr22:45,211,974, plus strand): 5'-CTTGGGGCACAGACGCAGGGGCAGGGGCCGGGGGTCACTCACCTTCCTCCCGTCTGCACC[G>A]CTTTCGCTGCCGGAGTACGCCAGCTTCCGGCGCACATAGAAAAGCATGTCGTCCTGCCGG-3'
Protein context (NP_001009880.1, residues 56-76): RRKLAYSGSE[Ser66=]GADGRKAAEP